The following is an entry in ClinVar:

NM_000142.5(FGFR3):c.1922A>G (p.Asp641Gly)

Gene: FGFR3 (fibroblast growth factor receptor 3; plus strand). Cytogenetic location: 4p16.3.
Variant type: single nucleotide variant.
Coding change: c.1922A>G on transcript NM_000142.5 (MANE Select); coding-DNA position 1922, A replaced by G.
Protein change: p.Asp641Gly; replaces aspartic acid 641 with glycine.
Molecular consequence: missense variant. On other transcripts: non-coding transcript variant (1).
Genome position (GRCh38, 1-based): chr4:1,806,136, A>G. VCF-style: chr4-1806136-A-G. GRCh37 (hg19) VCF-style: chr4-1807863-A-G.
Other names: c.1925A>G, p.Asp642Gly (NM_001354809.2, NM_001354810.2); c.1586A>G, p.Asp529Gly (NM_022965.4); c.1928A>G, p.Asp643Gly (NM_001163213.2); short protein forms D529G, D641G, D642G, D643G.
Identifiers: ClinVar variation 4857820 (VCV004857820.1).
Genomic context (GRCh38, chr4:1,806,136, plus strand): 5'-GCAATGTGCTGGTGACCGAGGACAACGTGATGAAGATCGCAGACTTCGGGCTGGCCCGGG[A>G]CGTGCACAACCTCGACTACTACAAGAAGACGACCAACGTGAGCCCGGCCCTGGGGTGCGG-3'
Protein context (NP_000133.1, residues 631-651): MKIADFGLAR[Asp641Gly]VHNLDYYKKT

ClinVar aggregate classification (germline): Uncertain significance (1 of 4 stars; one submission).

Conditions:
FGFR3-related chondrodysplasia. Identifiers: Orphanet 93420, MedGen C5681604, MONDO:0019685.

Submission:

Genomenon, Inc
Classification: Uncertain significance for FGFR3-related chondrodysplasia. Last evaluated: 2026-06-23. Review status: criteria provided, single submitter. Criteria: Genomenon Sequence Variant Interpretation Standards - Updated. Collection method: curation. Allele origin: germline. Affected: no.
Comment: FGFR3 p.Asp641Gly (c.1922A>G) is a missense variant that changes the amino acid at codon 641 from Aspartic acid to Glycine. To our knowledge, this variant has not been reported in patients affected with an FGFR3-related disorder in the published literature. Functional studies have been reported (PMID:26992226). It is absent or not present at a significant frequency in gnomAD. In silico models predict that this variant is possibly or probably damaging. In conclusion, we classify FGFR3 p.Asp641Gly (c.1922A>G) as a variant of uncertain significance.

Literature cited by the submitters: PubMed 26992226.